The following is an entry in ClinVar:

NM_153766.3(KCNJ1):c.173G>A (p.Trp58Ter)

Gene: KCNJ1 (potassium inwardly rectifying channel subfamily J member 1; minus strand). Cytogenetic location: 11q24.3.
Variant type: single nucleotide variant.
Coding change: c.173G>A on transcript NM_153766.3 (MANE Select); coding-DNA position 173, G replaced by A.
Protein change: p.Trp58Ter; replaces tryptophan 58 with a stop codon.
Molecular consequence: nonsense.
Genome position (GRCh38, 1-based): chr11:128,840,071, C>T on the plus strand (G>A on the coding strand, the complement: KCNJ1 is on the minus strand). VCF-style: chr11-128840071-C-T. GRCh37 (hg19) VCF-style: chr11-128709966-C-T.
Other names: c.230G>A, p.Trp77Ter (NM_000220.6); c.173G>A, p.Trp58Ter (NM_153764.3, NM_153767.4); c.224G>A, p.Trp75Ter (NM_153765.3); short protein forms W75*, W58*, W77*.
Identifiers: ClinVar variation 2705732 (VCV002705732.3), dbSNP rs1473531549, ClinGen allele CA383246950.
Genomic context (GRCh38, chr11:128,840,071, plus strand): 5'-AGACCAAAGAAAAACCAACTCCCCAAGAAGGCTGTGATGAAAATGGTCATTTTGTATCTC[C>T]ACTTGAGGTCAAGTACCGTTGTCCAGATGTCCACAAAGAATATAAACCTTGACTGTGCCT-3'

ClinVar aggregate classification (germline): Pathogenic (1 of 4 stars; one submission).

Allele frequency attached by ClinVar (database versions not stated): gnomAD exomes below 0.00001; TOPMed below 0.00001; gnomAD 0.00001.
gnomAD v4.1: 3 of 1,614,018 alleles (0.00019%); highest among the groups gnomAD compares: African/African-American, 0.0013%; no homozygotes.

Submission:

Labcorp Genetics (formerly Invitae), Labcorp
Classification: Pathogenic. Last evaluated: 2023-12-26. Review status: criteria provided, single submitter. Criteria: Invitae Variant Classification Sherloc (09022015). Collection method: clinical testing. Allele origin: germline.
Comment: This sequence change creates a premature translational stop signal (p.Trp77*) in the KCNJ1 gene. While this is not anticipated to result in nonsense mediated decay, it is expected to disrupt the last 315 amino acid(s) of the KCNJ1 protein. This variant is present in population databases (no rsID available, gnomAD 0.03%). This premature translational stop signal has been observed in individual(s) with Bartter syndrome (PMID: 18391953). This variant disrupts a region of the KCNJ1 protein in which other variant(s) (p.His354Serfs*8) have been determined to be pathogenic (PMID: 11318951). This suggests that this is a clinically significant region of the protein, and that variants that disrupt it are likely to be disease-causing. For these reasons, this variant has been classified as Pathogenic.

Literature cited by the submitters: PubMed 18391953; PubMed 11318951.